The following is an entry in ClinVar:

ClinVar aggregate classification (germline): Uncertain significance (1 of 4 stars; one submission).

Conditions:
Peroxisome biogenesis disorder. Identifiers: Orphanet 79189, MedGen C1832200, MONDO:0019234. Disease mechanism: loss of function.

Allele frequency attached by ClinVar (database versions not stated): TOPMed below 0.00001.
gnomAD v4.1: 4 of 1,614,218 alleles (0.00025%); no homozygotes.

Submission:

Labcorp Genetics (formerly Invitae), Labcorp
Classification: Uncertain significance for Peroxisome biogenesis disorder. Last evaluated: 2022-06-21. Review status: criteria provided, single submitter. Criteria: Invitae Variant Classification Sherloc (09022015). Collection method: clinical testing. Allele origin: germline.
Comment: This sequence change replaces glycine, which is neutral and non-polar, with arginine, which is basic and polar, at codon 395 of the PEX6 protein (p.Gly395Arg). This variant is present in population databases (rs755139673, gnomAD 0.03%). This variant has not been reported in the literature in individuals affected with PEX6-related conditions. Algorithms developed to predict the effect of missense changes on protein structure and function (SIFT, PolyPhen-2, Align-GVGD) all suggest that this variant is likely to be tolerated. In summary, the available evidence is currently insufficient to determine the role of this variant in disease. Therefore, it has been classified as a Variant of Uncertain Significance.

NM_000287.4(PEX6):c.1183G>C (p.Gly395Arg)

Gene: PEX6 (peroxisomal biogenesis factor 6; minus strand). Cytogenetic location: 6p21.1.
Variant type: single nucleotide variant.
Coding change: c.1183G>C on transcript NM_000287.4 (MANE Select); coding-DNA position 1183, G replaced by C.
Protein change: p.Gly395Arg; replaces glycine 395 with arginine.
Molecular consequence: missense variant. On other transcripts: non-coding transcript variant (1).
Genome position (GRCh38, 1-based): chr6:42,969,935, C>G on the plus strand (G>C on the coding strand, the complement: PEX6 is on the minus strand). VCF-style: chr6-42969935-C-G. GRCh37 (hg19) VCF-style: chr6-42937673-C-G.
Other names: c.919G>C, p.Gly307Arg (NM_001316313.2); short protein forms G307R, G395R.
Identifiers: ClinVar variation 1924154 (VCV001924154.2), dbSNP rs755139673, ClinGen allele CA3811417.